The following is an entry in ClinVar:

ClinVar aggregate classification (germline): Benign/Likely benign. Review status: criteria provided, multiple submitters, no conflicts (2 of 4 stars). 5 submissions from 5 submitters: Benign (1); Likely benign (4). Last evaluated 2026-04-21.

Conditions:
DICER1-related tumor predisposition. Also called: DICER1 syndrome; DICER1-related pleuropulmonary blastoma cancer predisposition syndrome. Identifiers: Orphanet 284343, MedGen C3839822, MONDO:0100216.
Hereditary cancer-predisposing syndrome. Also called: Hereditary Cancer Syndrome; Neoplastic Syndromes, Hereditary; Hereditary neoplastic syndrome; Tumor predisposition. Identifiers: Orphanet 140162, MedGen C0027672, MeSH D009386, MONDO:0015356.

gnomAD v4.1: 17 of 1,614,032 alleles (0.0011%); highest among the groups gnomAD compares: Non-Finnish European, 0.00059%; no homozygotes.

Submissions (5):

Myriad Genetics, Inc.
Classification: Benign for DICER1-related tumor predisposition. Last evaluated: 2026-04-21. Review status: criteria provided, single submitter. Criteria: Myriad Autosomal Dominant, Autosomal Recessive and X-Linked Classification Criteria (2023). Collection method: clinical testing. Allele origin: unknown.
Comment: This variant is considered benign. This variant is a silent/synonymous amino acid change and it is not expected to impact splicing.

Labcorp Genetics (formerly Invitae), Labcorp
Classification: Likely benign for DICER1-related tumor predisposition. Last evaluated: 2025-10-13. Review status: criteria provided, single submitter. Criteria: Invitae Variant Classification Sherloc (09022015). Collection method: clinical testing. Allele origin: germline.

Blueprint Genetics
Classification: Likely benign. Last evaluated: 2022-10-25. Review status: criteria provided, single submitter. Criteria: ACMG Guidelines, 2015. Collection method: clinical testing. Allele origin: germline.

CeGaT Center for Human Genetics Tuebingen
Classification: Likely benign. Last evaluated: 2022-10-01. Review status: criteria provided, single submitter. Criteria: CeGaT Center For Human Genetics Tuebingen Variant Classification Criteria Version 2. Collection method: clinical testing. Allele origin: germline. Affected: yes. Observed: 1 variant allele.
Comment: DICER1: BP4, BP7

Ambry Genetics
Classification: Likely benign for Hereditary cancer-predisposing syndrome. Last evaluated: 2019-06-29. Review status: criteria provided, single submitter. Criteria: Ambry Variant Classification Scheme 2023. Collection method: clinical testing. Allele origin: germline.

NM_177438.3(DICER1):c.5442G>T (p.Ser1814=)

Gene: DICER1 (dicer 1, ribonuclease III; minus strand). Cytogenetic location: 14q32.13.
Variant type: single nucleotide variant.
Coding change: c.5442G>T on transcript NM_177438.3 (MANE Select); coding-DNA position 5442, G replaced by T.
Protein change: p.Ser1814=; no amino-acid change (serine 1814 retained).
Molecular consequence: synonymous variant. On other transcripts: intron variant (1).
Genome position (GRCh38, 1-based): chr14:95,091,288, C>A on the plus strand (G>T on the coding strand, the complement: DICER1 is on the minus strand). VCF-style: chr14-95091288-C-A. GRCh37 (hg19) VCF-style: chr14-95557625-C-A.
Other names: c.5442G>T, p.Ser1814= (NM_001271282.3, NM_001291628.2, NM_030621.4); c.5365-179G>T (NM_001195573.1).
Identifiers: ClinVar variation 745361 (VCV000745361.41), dbSNP rs759875628, ClinGen allele CA7330662.